The following is an entry in ClinVar:

ClinVar aggregate classification (germline): Uncertain significance (1 of 4 stars; one submission).

Conditions:
Cardiovascular phenotype. Identifiers: MedGen CN230736.

gnomAD v4.1: 1 of 1,551,830 alleles (0.000064%); no homozygotes.

Submission:

Ambry Genetics
Classification: Uncertain significance for Cardiovascular phenotype. Last evaluated: 2024-08-04. Review status: criteria provided, single submitter. Criteria: Ambry Variant Classification Scheme 2023. Collection method: clinical testing. Allele origin: germline.
Comment: The p.A387E variant (also known as c.1160C>A), located in coding exon 2 of the RBM20 gene, results from a C to A substitution at nucleotide position 1160. The alanine at codon 387 is replaced by glutamic acid, an amino acid with dissimilar properties. This amino acid position is conserved. In addition, this alteration is predicted to be tolerated by in silico analysis. Based on the available evidence, the clinical significance of this variant remains unclear.

NM_001134363.3(RBM20):c.1160C>A (p.Ala387Glu)

Gene: RBM20 (RNA binding motif protein 20; plus strand). Cytogenetic location: 10q25.2.
Variant type: single nucleotide variant.
Coding change: c.1160C>A on transcript NM_001134363.3 (MANE Select); coding-DNA position 1160, C replaced by A.
Protein change: p.Ala387Glu; replaces alanine 387 with glutamic acid.
Molecular consequence: missense variant.
Genome position (GRCh38, 1-based): chr10:110,781,769, C>A. VCF-style: chr10-110781769-C-A. GRCh37 (hg19) VCF-style: chr10-112541527-C-A.
Other names: short protein forms A387E.
Identifiers: ClinVar variation 3431230 (VCV003431230.1).
Genomic context (GRCh38, chr10:110,781,769, plus strand): 5'-GGCTTAACAACAGCAAACAGGGTTTTATCGGTGCTGGGCGGAGGGCCAAGGAGGACCAGG[C>A]GTTGCTATCTGTGCGGCCCCTGCAGGCTCATGAGCTGAACGACTTTCACGGTGTGGCCCC-3'
Protein context (NP_001127835.2, residues 377-397): GAGRRAKEDQ[Ala387Glu]LLSVRPLQAH